The following is an entry in ClinVar:

NM_005228.5(EGFR):c.473_474inv (p.Asn158Ser)

Gene: EGFR (epidermal growth factor receptor; plus strand). Cytogenetic location: 7p11.2.
Variant type: Inversion.
Coding change: c.473_474inv on transcript NM_005228.5 (MANE Select).
Protein change: p.Asn158Ser; replaces asparagine 158 with serine.
Molecular consequence: missense variant. On other transcripts: intron variant (3).
Genome position: GRCh38 VCF-style: chr7-55146654-AC-GT. GRCh37 (hg19) VCF-style: chr7-55214347-AC-GT.
Other names: c.473_474inv, p.Asn158Ser (NM_001346898.2, NM_201282.2, NM_201283.2 and 1 more transcripts); c.314_315inv, p.Asn105Ser (NM_001346900.2); c.424+3166_424+3167inv (NM_001346899.2, NM_001346897.2); c.89-9176_89-9175inv (NM_001346941.2); short protein forms N105S, N158S.
Identifiers: ClinVar variation 4883967 (VCV004883967.2).

ClinVar aggregate classification (germline): Uncertain significance (1 of 4 stars; one submission).

Submission:

Dasa
Classification: Uncertain significance. Last evaluated: 2025-09-08. Review status: criteria provided, single submitter. Criteria: DASA Assertion Criteria. Collection method: clinical testing. Allele origin: germline.
Comment: NM_005228.5(EGFR):c.473_474inv (p.Asn158Ser) is a missense variant that results in the substitution of asparagine with serine. This variant is absent from population databases. The currently available literature and clinical evidence are not sufficient to establish a definitive association between this variant and the reported condition. Therefore, this variant is classified as a variant of uncertain significance.